The following is an entry in ClinVar:

NM_000038.6(APC):c.4808C>T (p.Pro1603Leu)

Gene: APC (APC regulator of Wnt signaling pathway; plus strand). Cytogenetic location: 5q22.2.
Variant type: single nucleotide variant.
Coding change: c.4808C>T on transcript NM_000038.6 (MANE Select); coding-DNA position 4808, C replaced by T.
Protein change: p.Pro1603Leu; replaces proline 1603 with leucine.
Molecular consequence: missense variant. On other transcripts: non-coding transcript variant (2).
Genome position (GRCh38, 1-based): chr5:112,840,402, C>T. VCF-style: chr5-112840402-C-T. GRCh37 (hg19) VCF-style: chr5-112176099-C-T.
Other names: c.4808C>T, p.Pro1603Leu (NM_001127510.3, NM_001354895.2, NM_001407450.1); c.4754C>T, p.Pro1585Leu (NM_001127511.3); c.4862C>T, p.Pro1621Leu (NM_001354896.2, NM_001407447.1, NM_001407448.1 and 1 more transcripts); c.4838C>T, p.Pro1613Leu (NM_001354897.2); c.4733C>T, p.Pro1578Leu (NM_001354898.2); c.4724C>T, p.Pro1575Leu (NM_001354899.2); c.4685C>T, p.Pro1562Leu (NM_001354900.2); c.4631C>T, p.Pro1544Leu (NM_001354901.2, NM_001407453.1); and 11 more; short protein forms P1219L, P1320L, P1443L, P1474L, P1477L, P1502L, P1512L, P1520L.
Identifiers: ClinVar variation 3069580 (VCV003069580.3), dbSNP rs2149924288, ClinGen allele CA16031870.

ClinVar aggregate classification (germline): Uncertain significance. Review status: criteria provided, multiple submitters, no conflicts (2 of 4 stars). 2 submissions from 2 submitters: Uncertain significance (2). Last evaluated 2024-09-09.

Conditions:
Classic or attenuated familial adenomatous polyposis. Identifiers: MedGen CN372698, MONDO:0021057.
Familial adenomatous polyposis 1 (FAP1). Also called: FAMILIAL ADENOMATOUS POLYPOSIS 1, ATTENUATED; POLYPOSIS, ADENOMATOUS INTESTINAL. Identifiers: MedGen C2713442, MONDO:0021056, OMIM 175100. Disease mechanism: loss of function.

Submissions (2):

Labcorp Genetics (formerly Invitae), Labcorp
Classification: Uncertain significance for Familial adenomatous polyposis 1. Last evaluated: 2024-09-09. Review status: criteria provided, single submitter. Criteria: Invitae Variant Classification Sherloc (09022015). Collection method: clinical testing. Allele origin: germline.
Comment: This sequence change replaces proline, which is neutral and non-polar, with leucine, which is neutral and non-polar, at codon 1603 of the APC protein (p.Pro1603Leu). This variant is not present in population databases (gnomAD no frequency). This variant has not been reported in the literature in individuals affected with APC-related conditions. Invitae Evidence Modeling of protein sequence and biophysical properties (such as structural, functional, and spatial information, amino acid conservation, physicochemical variation, residue mobility, and thermodynamic stability) indicates that this missense variant is not expected to disrupt APC protein function with a negative predictive value of 95%. In summary, the available evidence is currently insufficient to determine the role of this variant in disease. Therefore, it has been classified as a Variant of Uncertain Significance.

All of Us Research Program, National Institutes of Health
Classification: Uncertain significance for Classic or attenuated familial adenomatous polyposis. Last evaluated: 2023-02-24. Review status: criteria provided, single submitter. Criteria: ACMG Guidelines, 2015. Collection method: clinical testing. Allele origin: germline. Inheritance: Autosomal dominant inheritance. Observed: 1 variant allele, 1 heterozygote.
Comment: This missense variant replaces proline with leucine at codon 1603 of the APC protein. Computational prediction suggests that this variant may not impact protein structure and function (internally defined REVEL score threshold <= 0.5, PMID: 27666373). To our knowledge, functional studies have not been reported for this variant. This variant has not been reported in individuals affected with APC-related disorders in the literature. This variant has not been identified in the general population by the Genome Aggregation Database (gnomAD). The available evidence is insufficient to determine the role of this variant in disease conclusively. Therefore, this variant is classified as a Variant of Uncertain Significance.

This study involves interpretation of variants in research participants for the purpose of population health screening. Participant phenotype was not available at the time of variant classification. Additional details can be found in publication PMID: 35346344, PMCID: PMC8962531